The following is an entry in ClinVar:

NM_014141.6(CNTNAP2):c.3850C>T (p.Arg1284Trp)

Gene: CNTNAP2 (contactin associated protein 2; plus strand). Cytogenetic location: 7q36.1.
Variant type: single nucleotide variant.
Coding change: c.3850C>T on transcript NM_014141.6 (MANE Select); coding-DNA position 3850, C replaced by T.
Protein change: p.Arg1284Trp; replaces arginine 1284 with tryptophan.
Molecular consequence: missense variant.
Genome position (GRCh38, 1-based): chr7:148,415,470, C>T. VCF-style: chr7-148415470-C-T. GRCh37 (hg19) VCF-style: chr7-148112562-C-T.
Other names: short protein forms R1284W.
Identifiers: ClinVar variation 468434 (VCV000468434.6), dbSNP rs763809167, ClinGen allele CA4546822.

ClinVar aggregate classification (germline): Uncertain significance. Review status: criteria provided, multiple submitters, no conflicts (2 of 4 stars). 3 submissions from 3 submitters: Uncertain significance (3). Last evaluated 2025-02-27.

Conditions:
Cortical dysplasia-focal epilepsy syndrome (PTHSL1). Also called: Pitt-Hopkins-like syndrome 1. Identifiers: Orphanet 163681, Orphanet 221150, MedGen C2750246, MONDO:0012400, OMIM 610042.

Allele frequency attached by ClinVar (database versions not stated): TOPMed 0.00005; ExAC 0.00007.
gnomAD v4.1: 25 of 1,614,170 alleles (0.0015%); highest among the groups gnomAD compares: Admixed American, 0.033%; no homozygotes.

Submissions (3):

GeneDx
Classification: Uncertain significance. Last evaluated: 2025-02-27. Review status: criteria provided, single submitter. Criteria: GeneDx Variant Classification Process June 2021. Collection method: clinical testing. Allele origin: germline. Affected: yes.
Comment: In silico analysis supports that this missense variant has a deleterious effect on protein structure/function; Has not been previously published as pathogenic or benign to our knowledge

Labcorp Genetics (formerly Invitae), Labcorp
Classification: Uncertain significance for Cortical dysplasia-focal epilepsy syndrome. Last evaluated: 2022-06-13. Review status: criteria provided, single submitter. Criteria: Invitae Variant Classification Sherloc (09022015). Collection method: clinical testing. Allele origin: germline.
Comment: This sequence change replaces arginine, which is basic and polar, with tryptophan, which is neutral and slightly polar, at codon 1284 of the CNTNAP2 protein (p.Arg1284Trp). This variant is present in population databases (rs763809167, gnomAD 0.05%). This variant has not been reported in the literature in individuals affected with CNTNAP2-related conditions. ClinVar contains an entry for this variant (Variation ID: 468434). Algorithms developed to predict the effect of missense changes on protein structure and function (SIFT, PolyPhen-2, Align-GVGD) all suggest that this variant is likely to be disruptive. In summary, the available evidence is currently insufficient to determine the role of this variant in disease. Therefore, it has been classified as a Variant of Uncertain Significance.

Baylor Genetics
Classification: Uncertain significance for Cortical dysplasia-focal epilepsy syndrome. Last evaluated: 2018-06-28. Review status: criteria provided, single submitter. Criteria: ACMG Guidelines, 2015. Collection method: clinical testing. Allele origin: paternal. Affected: yes.
Comment: This variant was determined to be of uncertain significance according to ACMG Guidelines, 2015 [PMID:25741868].